The following is an entry in ClinVar:

NM_012062.5(DNM1L):c.1849C>T (p.Pro617Ser)

Gene: DNM1L (dynamin 1L; plus strand). Cytogenetic location: 12p11.21.
Variant type: single nucleotide variant.
Coding change: c.1849C>T on transcript NM_012062.5 (MANE Select); coding-DNA position 1849, C replaced by T.
Protein change: p.Pro617Ser; replaces proline 617 with serine.
Molecular consequence: missense variant.
Genome position (GRCh38, 1-based): chr12:32,740,205, C>T. VCF-style: chr12-32740205-C-T. GRCh37 (hg19) VCF-style: chr12-32893139-C-T.
Other names: c.1849C>T (NM_012062.3); c.1816C>T, p.Pro606Ser (NM_001278463.2); c.1888C>T, p.Pro630Ser (NM_001278464.2); c.1855C>T, p.Pro619Ser (NM_001278465.2); c.1240C>T, p.Pro414Ser (NM_001278466.2); c.1777C>T, p.Pro593Ser (NM_001330380.2); c.1738C>T, p.Pro580Ser (NM_005690.5); c.1771C>T, p.Pro591Ser (NM_012063.4); short protein forms P606S, P619S, P630S, P593S, P617S, P414S, P580S, P591S.
Identifiers: ClinVar variation 2002517 (VCV002002517.6), dbSNP rs753979883, ClinGen allele CA6507703.

ClinVar aggregate classification (germline): Uncertain significance. Review status: criteria provided, multiple submitters, no conflicts (2 of 4 stars). 2 submissions from 2 submitters: Uncertain significance (2). Last evaluated 2026-07-16.

Allele frequency attached by ClinVar (database versions not stated): ExAC 0.00002; gnomAD 0.00001; gnomAD exomes below 0.00001; TOPMed below 0.00001.
gnomAD v4.1: 9 of 1,613,972 alleles (0.00056%); highest among the groups gnomAD compares: South Asian, 0.0011%; no homozygotes.

Submissions (2):

GeneDx
Classification: Uncertain significance. Last evaluated: 2026-07-16. Review status: criteria provided, single submitter. Criteria: GeneDx Variant Classification Process June 2021. Collection method: clinical testing. Allele origin: germline.
Comment: Observed in the heterozygous state in a patient with epilepsy (PMID: 31069529); In silico analysis supports that this missense variant has a deleterious effect on protein structure/function; This variant is associated with the following publications: (PMID: 31069529)

Labcorp Genetics (formerly Invitae), Labcorp
Classification: Uncertain significance. Last evaluated: 2025-07-22. Review status: criteria provided, single submitter. Criteria: Invitae Variant Classification Sherloc (09022015). Collection method: clinical testing. Allele origin: germline.
Comment: This sequence change replaces proline, which is neutral and non-polar, with serine, which is neutral and polar, at codon 617 of the DNM1L protein (p.Pro617Ser). This variant is present in population databases (rs753979883, gnomAD 0.002%). This missense change has been observed in individual(s) with epilepsy (PMID: 31069529). ClinVar contains an entry for this variant (Variation ID: 2002517). An algorithm developed to predict the effect of missense changes on protein structure and function (PolyPhen-2) suggests that this variant is likely to be disruptive. In summary, the available evidence is currently insufficient to determine the role of this variant in disease. Therefore, it has been classified as a Variant of Uncertain Significance.

Literature cited by the submitters: PubMed 31069529 (cited by Labcorp Genetics (formerly Invitae), Labcorp).